The following is an entry in ClinVar:

NM_006516.4(SLC2A1):c.1075-14G>A

Gene: SLC2A1 (solute carrier family 2 member 1; minus strand). Cytogenetic location: 1p34.2.
Variant type: single nucleotide variant.
Coding change: c.1075-14G>A on transcript NM_006516.4 (MANE Select); 14 bases into the intron before coding-DNA position 1075, G replaced by A.
Molecular consequence: intron variant.
Genome position (GRCh38, 1-based): chr1:42,927,822, C>T on the plus strand (G>A on the coding strand, the complement: SLC2A1 is on the minus strand). VCF-style: chr1-42927822-C-T. GRCh37 (hg19) VCF-style: chr1-43393493-C-T.
Identifiers: ClinVar variation 378612 (VCV000378612.9), dbSNP rs777450540, ClinGen allele CA803340.

ClinVar aggregate classification (germline): Likely benign. Review status: criteria provided, multiple submitters, no conflicts (2 of 4 stars). 7 submissions from 3 submitters: Likely benign (7). Last evaluated 2025-12-01.

Conditions:
Hereditary cryohydrocytosis with reduced stomatin. Also called: GLUT1 DEFICIENCY SYNDROME WITH PSEUDOHYPERKALEMIA AND HEMOLYSIS; Stomatin-deficient cryohydrocytosis with neurologic defects. Identifiers: Orphanet 168577, MedGen C1837206, MONDO:0012143, OMIM 608885.
Dystonia 9 (DYT9). Also called: CHOREOATHETOSIS, KINESIGENIC, WITH EPISODIC ATAXIA AND SPASTICITY. Identifiers: Orphanet 53583, MedGen C1832855, MONDO:0010983, OMIM 601042.
Epilepsy, idiopathic generalized, susceptibility to, 12 (EIG12). Identifiers: MedGen C3553859, MONDO:0013919, OMIM 614847.
Childhood onset GLUT1 deficiency syndrome 2. Also called: GLUT1 deficiency syndrome 2; Exertion-induced paroxysmal dyskinesia; PxMD-SLC2A1; Paroxysmal exercise-induced dystonia; PAROXYSMAL EXERCISE-INDUCED DYSKINESIA WITH OR WITHOUT EPILEPSY AND/OR HEMOLYTIC ANEMIA; PAROXYSMAL EXERTION-INDUCED DYSTONIA WITH OR WITHOUT EPILEPSY AND/OR HEMOLYTIC ANEMIA. Identifiers: Orphanet 98811, MedGen C1842534, MONDO:0012805, OMIM 612126.
Encephalopathy due to GLUT1 deficiency. Also called: Classic Glucose Transporter Type 1 Deficiency Syndrome; GLUT1 deficiency syndrome 1, infantile onset, severe; GLUCOSE TRANSPORT DEFECT, BLOOD-BRAIN BARRIER; GLUT1 deficiency syndrome 1; De Vivo disease; Glucose transporter protein syndrome. Identifiers: Orphanet 71277, MedGen C4551966, MONDO:0011724, OMIM 606777.
GLUT1 deficiency syndrome 1, autosomal recessive. Identifiers: MedGen C3149117.

Allele frequency attached by ClinVar (database versions not stated): gnomAD below 0.00001 and 0.00001; TOPMed 0.00002; gnomAD exomes 0.00003; ExAC 0.00005.
gnomAD v4.1: 46 of 1,600,482 alleles (0.0029%); highest among the groups gnomAD compares: East Asian, 0.011%; no homozygotes.

Submissions (7):

Labcorp Genetics (formerly Invitae), Labcorp
Classification: Likely benign for GLUT1 deficiency syndrome 1, autosomal recessive. Last evaluated: 2025-12-01. Review status: criteria provided, single submitter. Criteria: Invitae Variant Classification Sherloc (09022015). Collection method: clinical testing. Allele origin: germline.

Genome-Nilou Lab
Classification: Likely benign for Epilepsy, idiopathic generalized, susceptibility to, 12. Last evaluated: 2023-04-11. Review status: criteria provided, single submitter. Criteria: ACMG Guidelines, 2015. Collection method: clinical testing. Allele origin: germline. Affected: no.

Genome-Nilou Lab
Classification: Likely benign for Dystonia 9. Last evaluated: 2023-04-11. Review status: criteria provided, single submitter. Criteria: ACMG Guidelines, 2015. Collection method: clinical testing. Allele origin: germline. Affected: no.

Genome-Nilou Lab
Classification: Likely benign for Encephalopathy due to GLUT1 deficiency. Last evaluated: 2023-04-11. Review status: criteria provided, single submitter. Criteria: ACMG Guidelines, 2015. Collection method: clinical testing. Allele origin: germline. Affected: no.

Genome-Nilou Lab
Classification: Likely benign for Childhood onset GLUT1 deficiency syndrome 2. Last evaluated: 2023-04-11. Review status: criteria provided, single submitter. Criteria: ACMG Guidelines, 2015. Collection method: clinical testing. Allele origin: germline. Affected: no.

Genome-Nilou Lab
Classification: Likely benign for Hereditary cryohydrocytosis with reduced stomatin. Last evaluated: 2023-04-11. Review status: criteria provided, single submitter. Criteria: ACMG Guidelines, 2015. Collection method: clinical testing. Allele origin: germline. Affected: no.

GeneDx
Classification: Likely benign. Last evaluated: 2016-03-08. Review status: criteria provided, single submitter. Criteria: GeneDx Variant Classification (06012015). Collection method: clinical testing. Allele origin: germline. Affected: yes.
Comment: This variant is considered likely benign or benign based on one or more of the following criteria: it is a conservative change, it occurs at a poorly conserved position in the protein, it is predicted to be benign by multiple in silico algorithms, and/or has population frequency not consistent with disease.